The following is an entry in ClinVar:

ClinVar aggregate classification (germline): Uncertain significance. Review status: criteria provided, multiple submitters, no conflicts (2 of 4 stars). 2 submissions from 2 submitters: Uncertain significance (2). Last evaluated 2025-05-15.

Conditions:
Inborn genetic diseases. Identifiers: MedGen C0950123, MeSH D030342.

gnomAD v4.1: 9 of 1,407,254 alleles (0.00064%); highest among the groups gnomAD compares: South Asian, 0.0092%; no homozygotes.

Submissions (2):

GeneDx
Classification: Uncertain significance. Last evaluated: 2025-05-15. Review status: criteria provided, single submitter. Criteria: GeneDx Variant Classification Process June 2021. Collection method: clinical testing. Allele origin: germline. Affected: yes.
Comment: In silico analysis supports that this missense variant has a deleterious effect on protein structure/function; Has not been previously published as pathogenic or benign to our knowledge

Ambry Genetics
Classification: Uncertain significance for Inborn genetic diseases. Last evaluated: 2024-07-02. Review status: criteria provided, single submitter. Criteria: Ambry Variant Classification Scheme 2023. Collection method: clinical testing. Allele origin: germline.

NM_182943.3(PLOD2):c.614G>T (p.Arg205Met)

Gene: PLOD2 (procollagen-lysine,2-oxoglutarate 5-dioxygenase 2; minus strand). Cytogenetic location: 3q24.
Variant type: single nucleotide variant.
Coding change: c.614G>T on transcript NM_182943.3 (MANE Select); coding-DNA position 614, G replaced by T.
Protein change: p.Arg205Met; replaces arginine 205 with methionine.
Molecular consequence: missense variant.
Genome position (GRCh38, 1-based): chr3:146,106,533, C>A on the plus strand (G>T on the coding strand, the complement: PLOD2 is on the minus strand). VCF-style: chr3-146106533-C-A. GRCh37 (hg19) VCF-style: chr3-145824320-C-A.
Other names: c.614G>T (NM_182943.2); c.614G>T, p.Arg205Met (NM_000935.3); short protein forms R205M.
Identifiers: ClinVar variation 3420959 (VCV003420959.2).
Genomic context (GRCh38, chr3:146,106,533, plus strand): 5'-CAATATAACACACAAAACAACCAAATCAATAAAACAAAAAAATTGCAGCTGTTACACACC[C>A]TTTTCAGTGGATCAATGTAAACTTTAGTGTAAAAGAGCTGATCATCATCATTATCCTGGA-3'
Protein context (NP_891988.1, residues 195-215): YTKVYIDPLK[Arg205Met]EAINITLDHK